The following is an entry in ClinVar:

NM_005120.3(MED12):c.3209+6G>A

Gene: MED12 (mediator complex subunit 12; plus strand). Cytogenetic location: Xq13.1.
Variant type: single nucleotide variant.
Coding change: c.3209+6G>A on transcript NM_005120.3 (MANE Select); 6 bases into the intron after coding-DNA position 3209, G replaced by A.
Molecular consequence: intron variant.
Genome position (GRCh38, 1-based): chrX:71,128,126, G>A. VCF-style: chrX-71128126-G-A. GRCh37 (hg19) VCF-style: chrX-70347976-G-A.
Identifiers: ClinVar variation 2724840 (VCV002724840.3), dbSNP rs781239785, ClinGen allele CA10444455.

ClinVar aggregate classification (germline): Uncertain significance (1 of 4 stars; one submission).

Conditions:
FG syndrome (FGS). Identifiers: MedGen C0220769, MONDO:0002010.

Allele frequency attached by ClinVar (database versions not stated): gnomAD exomes below 0.00001; ExAC 0.00001; TOPMed 0.00001.

Submission:

Labcorp Genetics (formerly Invitae), Labcorp
Classification: Uncertain significance for FG syndrome. Last evaluated: 2023-06-23. Review status: criteria provided, single submitter. Criteria: Invitae Variant Classification Sherloc (09022015). Collection method: clinical testing. Allele origin: germline.
Comment: Variants that disrupt the consensus splice site are a relatively common cause of aberrant splicing (PMID: 17576681, 9536098). Algorithms developed to predict the effect of sequence changes on RNA splicing suggest that this variant is not likely to affect RNA splicing. This variant has not been reported in the literature in individuals affected with MED12-related conditions. This variant is present in population databases (rs781239785, gnomAD 0.001%). This sequence change falls in intron 22 of the MED12 gene. It does not directly change the encoded amino acid sequence of the MED12 protein. It affects a nucleotide within the consensus splice site. In summary, the available evidence is currently insufficient to determine the role of this variant in disease. Therefore, it has been classified as a Variant of Uncertain Significance.

Literature cited by the submitters: PubMed 17576681; PubMed 9536098.